The following is an entry in ClinVar:

ClinVar aggregate classification (germline): Pathogenic (1 of 4 stars; one submission).

Conditions:
Retinoblastoma (RB1). Also called: RETINOBLASTOMA, SOMATIC. Identifiers: Orphanet 790, MedGen C0035335, MeSH D012175, MONDO:0008380, OMIM 180200, HP:0009919. Disease mechanism: loss of function. Inheritance: Both sporadic and heritable forms are tested..

Submission:

Genetic Diagnostic Laboratory, University of Pennsylvania School of Medicine
Classification: Pathogenic for Retinoblastoma. Last evaluated: 2024-05-20. Review status: criteria provided, single submitter. Criteria: ACMG Guidelines, 2015. Collection method: clinical testing. Allele origin: germline. Affected: yes. Observed: 1 variant allele.
Comment: Case and Pedigree Information: BILATERAL CASES:1, UNILATERAL CASES:0, TOTAL CASES:1, PEDIGREES:1. ACMG Codes Applied:PVS1, PM2

NM_000321.3(RB1):c.678dup (p.Ile227fs)

Gene: RB1 (RB transcriptional corepressor 1; plus strand). Cytogenetic location: 13q14.2.
Variant type: Duplication.
Coding change: c.678dup on transcript NM_000321.3 (MANE Select); coding-DNA position 678, one base duplicated (T; older notation c.678dupT).
Protein change: p.Ile227fs; shifts the reading frame from isoleucine 227.
Molecular consequence: frameshift variant.
Genome position (GRCh38, 1-based): chr13:48,360,087, T duplicated; the last of 4 consecutive T bases (chr13:48,360,084-48,360,087); duplicating any one gives the same sequence. VCF-style (leftmost placement, unchanged base first): chr13-48360083-A-AT. GRCh37 (hg19) VCF-style: chr13-48934219-A-AT.
Other names: c.678dup, p.Ile227fs (NM_001407165.1, NM_001407166.1); short protein forms I227fs.
Identifiers: ClinVar variation 3237143 (VCV003237143.1), dbSNP rs2542178656.